The following is an entry in ClinVar:

ClinVar aggregate classification (germline): Uncertain significance (1 of 4 stars; one submission).

Conditions:
Ataxia-telangiectasia syndrome (AT). Also called: AT, COMPLEMENTATION GROUP C; Ataxia telangiectasia (A-T); Cerebello-oculocutaneous telangiectasia; Immunodeficiency with ataxia telangiectasia; LOUIS-BAR SYNDROME; Ataxia-telangiectasia. Identifiers: Orphanet 100, MedGen C0004135, MONDO:0008840, OMIM 208900.

Submission:

Labcorp Genetics (formerly Invitae), Labcorp
Classification: Uncertain significance for Ataxia-telangiectasia syndrome. Last evaluated: 2019-10-04. Review status: criteria provided, single submitter. Criteria: Invitae Variant Classification Sherloc (09022015). Collection method: clinical testing. Allele origin: germline.
Comment: This sequence change replaces isoleucine with methionine at codon 191 of the ATM protein (p.Ile191Met). The isoleucine residue is moderately conserved and there is a small physicochemical difference between isoleucine and methionine. This variant is not present in population databases (ExAC no frequency). This variant has not been reported in the literature in individuals with ATM-related conditions. Algorithms developed to predict the effect of missense changes on protein structure and function are either unavailable or do not agree on the potential impact of this missense change (SIFT: "Deleterious"; PolyPhen-2: "Possibly Damaging"; Align-GVGD: "Class C0"). In summary, the available evidence is currently insufficient to determine the role of this variant in disease. Therefore, it has been classified as a Variant of Uncertain Significance.

NM_000051.4(ATM):c.573T>G (p.Ile191Met)

Gene: ATM (ATM serine/threonine kinase; plus strand). Cytogenetic location: 11q22.3.
Variant type: single nucleotide variant.
Coding change: c.573T>G on transcript NM_000051.4 (MANE Select); coding-DNA position 573, T replaced by G.
Protein change: p.Ile191Met; replaces isoleucine 191 with methionine.
Molecular consequence: missense variant.
Genome position (GRCh38, 1-based): chr11:108,244,029, T>G. VCF-style: chr11-108244029-T-G. GRCh37 (hg19) VCF-style: chr11-108114756-T-G.
Other names: c.573T>G, p.Ile191Met (NM_001351834.2); short protein forms I191M.
Identifiers: ClinVar variation 957714 (VCV000957714.9), dbSNP rs775003417, ClinGen allele CA382527867.